The following is an entry in ClinVar:

ClinVar aggregate classification (germline): Uncertain significance (1 of 4 stars; one submission).

Submission:

GeneDx
Classification: Uncertain significance. Last evaluated: 2026-03-25. Review status: criteria provided, single submitter. Criteria: GeneDx Variant Classification Process June 2021. Collection method: clinical testing. Allele origin: germline.
Comment: Not observed at significant frequency in large population cohorts (gnomAD); Missense variants in this gene are a common cause of disease and they are underrepresented in the general population; In silico analysis suggests that this missense variant does not alter protein structure/function; Has not been previously published as pathogenic or benign to our knowledge

NM_004333.6(BRAF):c.268G>A (p.Asp90Asn)

Gene: BRAF (B-Raf proto-oncogene, serine/threonine kinase; minus strand). Cytogenetic location: 7q34.
Variant type: single nucleotide variant.
Coding change: c.268G>A on transcript NM_004333.6 (MANE Select); coding-DNA position 268, G replaced by A.
Protein change: p.Asp90Asn; replaces aspartic acid 90 with asparagine.
Molecular consequence: missense variant. On other transcripts: intron variant (1).
Genome position (GRCh38, 1-based): chr7:140,834,845, C>T on the plus strand (G>A on the coding strand, the complement: BRAF is on the minus strand). VCF-style: chr7-140834845-C-T. GRCh37 (hg19) VCF-style: chr7-140534645-C-T.
Other names: c.112G>A, p.Asp38Asn (NM_001378473.1, NM_001378472.1); c.268G>A, p.Asp90Asn (NM_001378474.1, NM_001354609.2, NM_001374244.1 and 5 more transcripts); c.240+15266G>A (NM_001378475.1); c.166G>A, p.Asp56Asn (NM_001378470.1); short protein forms D38N, D56N, D90N.
Identifiers: ClinVar variation 5017535 (VCV005017535.1).